The following is an entry in ClinVar:

NM_000083.3(CLCN1):c.2704T>C (p.Ser902Pro)

Gene: CLCN1 (chloride voltage-gated channel 1; plus strand). Cytogenetic location: 7q34.
Variant type: single nucleotide variant.
Coding change: c.2704T>C on transcript NM_000083.3 (MANE Select); coding-DNA position 2704, T replaced by C.
Protein change: p.Ser902Pro; replaces serine 902 with proline.
Molecular consequence: missense variant. On other transcripts: non-coding transcript variant (1).
Genome position (GRCh38, 1-based): chr7:143,351,702, T>C. VCF-style: chr7-143351702-T-C. GRCh37 (hg19) VCF-style: chr7-143048795-T-C.
Other names: short protein forms S902P.
Identifiers: ClinVar variation 946693 (VCV000946693.7), dbSNP rs1803412320, ClinGen allele CA369653641.

ClinVar aggregate classification (germline): Uncertain significance (1 of 4 stars; one submission).

Conditions:
Congenital myotonia, autosomal dominant form (THD). Also called: THOMSEN DISEASE; Myotonia congenita autosomal dominant. Identifiers: Orphanet 614, MedGen C2936781, MONDO:0008055, OMIM 160800.
Congenital myotonia, autosomal recessive form. Also called: Becker Generalized Myotonia; myotonia congenita, autosomal recessive; BECKER DISEASE. Identifiers: Orphanet 614, MedGen C0751360, MONDO:0009715, OMIM 255700.

Allele frequency attached by ClinVar (database versions not stated): TOPMed below 0.00001.
gnomAD v4.1: 1 of 1,614,160 alleles (0.000062%); no homozygotes.

Submission:

Labcorp Genetics (formerly Invitae), Labcorp
Classification: Uncertain significance for Congenital myotonia, autosomal recessive form; Congenital myotonia, autosomal dominant form. Last evaluated: 2022-03-23. Review status: criteria provided, single submitter. Criteria: Invitae Variant Classification Sherloc (09022015). Collection method: clinical testing. Allele origin: germline.
Comment: This sequence change replaces serine, which is neutral and polar, with proline, which is neutral and non-polar, at codon 902 of the CLCN1 protein (p.Ser902Pro). This variant is not present in population databases (gnomAD no frequency). This variant has not been reported in the literature in individuals affected with CLCN1-related conditions. ClinVar contains an entry for this variant (Variation ID: 946693). Advanced modeling of protein sequence and biophysical properties (such as structural, functional, and spatial information, amino acid conservation, physicochemical variation, residue mobility, and thermodynamic stability) performed at Invitae indicates that this missense variant is not expected to disrupt CLCN1 protein function. In summary, the available evidence is currently insufficient to determine the role of this variant in disease. Therefore, it has been classified as a Variant of Uncertain Significance.